The following is an entry in ClinVar:

ClinVar aggregate classification (germline): Likely benign (0 of 4 stars; one submission).

Conditions:
COL15A1-related disorder. Also called: COL15A1-related condition.

Allele frequency attached by ClinVar (database versions not stated): ExAC 0.00024; TOPMed 0.00041; gnomAD 0.00048; ESP Exome Variant Server 0.00054; 1000 Genomes Project 30x 0.00156; 1000 Genomes Project 0.00160.
gnomAD v4.1: 176 of 1,614,104 alleles (0.011%); highest among the groups gnomAD compares: African/African-American, 0.17%; no homozygotes.

Submission:

PreventionGenetics, part of Exact Sciences
Classification: Likely benign for COL15A1-related condition. Last evaluated: 2022-05-09. Review status: no assertion criteria provided. Collection method: clinical testing. Allele origin: germline.
Comment: This variant is classified as likely benign based on ACMG/AMP sequence variant interpretation guidelines (Richards et al. 2015 PMID: 25741868, with internal and published modifications).

NM_001855.5(COL15A1):c.1249G>A (p.Glu417Lys)

Gene: COL15A1 (collagen type XV alpha 1 chain; plus strand). Cytogenetic location: 9q22.33.
Variant type: single nucleotide variant.
Coding change: c.1249G>A on transcript NM_001855.5 (MANE Select); coding-DNA position 1249, G replaced by A.
Protein change: p.Glu417Lys; replaces glutamic acid 417 with lysine.
Molecular consequence: missense variant.
Genome position (GRCh38, 1-based): chr9:99,004,946, G>A. VCF-style: chr9-99004946-G-A. GRCh37 (hg19) VCF-style: chr9-101767228-G-A.
Other names: short protein forms E417K.
Identifiers: ClinVar variation 3030872 (VCV003030872.2), dbSNP rs148479358, ClinGen allele CA5154833.